The following is an entry in ClinVar:

ClinVar aggregate classification (germline): Benign. Review status: criteria provided, multiple submitters, no conflicts (2 of 4 stars). 5 submissions from 5 submitters: Benign (5). Last evaluated 2026-02-03.

Conditions:
Epidermolysis bullosa simplex, Ogna type (EBS5A). Also called: EPIDERMOLYSIS BULLOSA SIMPLEX 5A, OGNA TYPE; Pidermolysis bullosa simplex 5A, Ogna type. Identifiers: Orphanet 79401, MedGen C0432317, MONDO:0007555, OMIM 131950.
Autosomal recessive limb-girdle muscular dystrophy type 2Q (LGMDR17). Also called: MUSCULAR DYSTROPHY, LIMB-GIRDLE, AUTOSOMAL RECESSIVE 17. Identifiers: Orphanet 254361, MedGen C3150989, MONDO:0013390, OMIM 613723.
Epidermolysis bullosa simplex 5B, with muscular dystrophy (EBS5B). Also called: Epidermolysis bullosa simplex with muscular dystrophy; EPIDERMOLYSIS BULLOSA SIMPLEX AND LIMB-GIRDLE MUSCULAR DYSTROPHY. Identifiers: Orphanet 257, MedGen C2931072, MONDO:0009181, OMIM 226670.
Epidermolysis bullosa simplex 5C, with pyloric atresia (EBS5C). Also called: PLEC-Related Epidermolysis Bullosa with Pyloric Atresia; Epidermolysis bullosa simplex with pyloric atresia; PLEC1-Related Epidermolysis Bullosa with Pyloric Atresia. Identifiers: Orphanet 158684, MedGen C2677349, MONDO:0012807, OMIM 612138.
Epidermolysis bullosa simplex with nail dystrophy (EBS5D). Identifiers: MedGen C4225309, MONDO:0014661, OMIM 616487.

Allele frequency attached by ClinVar (database versions not stated): 1000 Genomes Project 0.07728; 1000 Genomes Project 30x 0.07917; TOPMed 0.13373; gnomAD 0.14520 and 0.14837; ESP Exome Variant Server 0.15174; ExAC 0.15496.
gnomAD v4.1: 300,869 of 1,598,542 alleles (19%); highest among the groups gnomAD compares: Non-Finnish European, 22%; 31,574 homozygotes.

Submissions (5):

Labcorp Genetics (formerly Invitae), Labcorp
Classification: Benign for Autosomal recessive limb-girdle muscular dystrophy type 2Q; Epidermolysis bullosa simplex, Ogna type; Epidermolysis bullosa simplex with nail dystrophy; Epidermolysis bullosa simplex 5C, with pyloric atresia; Epidermolysis bullosa simplex 5B, with muscular dystrophy. Last evaluated: 2026-02-03. Review status: criteria provided, single submitter. Criteria: Invitae Variant Classification Sherloc (09022015). Collection method: clinical testing. Allele origin: germline.

Blueprint Genetics
Classification: Benign. Last evaluated: 2024-11-27. Review status: criteria provided, single submitter. Criteria: ACMG Guidelines, 2015. Collection method: clinical testing. Allele origin: germline.

GeneDx
Classification: Benign. Last evaluated: 2016-01-05. Review status: criteria provided, single submitter. Criteria: GeneDx Variant Classification (06012015). Collection method: clinical testing. Allele origin: germline. Affected: yes.
Comment: This variant is considered likely benign or benign based on one or more of the following criteria: it is a conservative change, it occurs at a poorly conserved position in the protein, it is predicted to be benign by multiple in silico algorithms, and/or has population frequency not consistent with disease.

Breakthrough Genomics
Classification: Benign. Review status: criteria provided, single submitter. Criteria: ACMG Guidelines, 2015. Collection method: not provided. Allele origin: germline. Inheritance: Autosomal recessive inheritance. Affected: yes.

PreventionGenetics, part of Exact Sciences
Classification: Benign. Review status: criteria provided, single submitter. Criteria: ACMG Guidelines, 2015. Collection method: clinical testing. Allele origin: germline.

NM_201384.3(PLEC):c.3841-18C>T

Gene: PLEC (plectin; minus strand). Cytogenetic location: 8q24.3.
Variant type: single nucleotide variant.
Coding change: c.3841-18C>T on transcript NM_201384.3 (MANE Select); 18 bases into the intron before coding-DNA position 3841, C replaced by T.
Molecular consequence: intron variant.
Genome position (GRCh38, 1-based): chr8:143,927,099, G>A on the plus strand (C>T on the coding strand, the complement: PLEC is on the minus strand). VCF-style: chr8-143927099-G-A. GRCh37 (hg19) VCF-style: chr8-145001267-G-A.
Other names: c.3922-18C>T (NM_000445.5); c.3799-18C>T (NM_201378.4); c.3775-18C>T (NM_201379.3); c.4252-18C>T (NM_201380.4); c.3745-18C>T (NM_201381.3); c.3841-18C>T (NM_201382.4); c.3853-18C>T (NM_201383.3).
Identifiers: ClinVar variation 256176 (VCV000256176.11), dbSNP rs62522552, ClinGen allele CA4926885.